The following is an entry in ClinVar:

NC_000009.11:g.(?_332378)_(340341_?)dup

Gene: DOCK8 (dedicator of cytokinesis 8; plus strand). Cytogenetic location: 9p24.3.
Variant type: Duplication.
Identifiers: ClinVar variation 1067653 (VCV001067653.9).

ClinVar aggregate classification (germline): Likely pathogenic (1 of 4 stars; one submission).

Conditions:
Hyper-IgE recurrent infection syndrome 3, autosomal recessive. Also called: Autosomal recessive hyper-IgE syndrome due to ZNF341 deficiency; HYPER-IgE SYNDROME 3, AUTOSOMAL RECESSIVE, WITH RECURRENT INFECTIONS. Identifiers: Orphanet 641368, MedGen C4748969, MONDO:0032654, OMIM 618282.

Submission:

Labcorp Genetics (formerly Invitae), Labcorp
Classification: Likely pathogenic for Combined immunodeficiency due to DOCK8 deficiency. Last evaluated: 2020-04-01. Review status: criteria provided, single submitter. Criteria: Invitae Variant Classification Sherloc (09022015). Collection method: clinical testing. Allele origin: germline.
Comment: This variant has not been reported in the literature in individuals with DOCK8-related conditions. In summary, the currently available evidence indicates that the variant is pathogenic, but additional data are needed to prove that conclusively. Therefore, this variant has been classified as Likely Pathogenic. Loss-of-function variants in DOCK8 are known to be pathogenic (PMID: 14722525, 19776401). Experimental studies and prediction algorithms are not available or were not evaluated, and the functional significance of this variant is currently unknown. This variant results in a copy number gain of the genomic region encompassing exon(s) 10-14 of the DOCK8 gene. While the exact position of this variant cannot be determined from the data, sub-genic copy number gains are generally in tandem (PMID: 25640679). This variant is predicted to be out-of-frame, and may result in an absent or disrupted protein product.

Literature cited by the submitters: PubMed 14722525; PubMed 19776401; PubMed 25640679.